The following is an entry in ClinVar:

NM_000053.4(ATP7B):c.2865+1G>A

Gene: ATP7B (ATPase copper transporting beta; minus strand). Cytogenetic location: 13q14.3.
Variant type: single nucleotide variant.
Coding change: c.2865+1G>A on transcript NM_000053.4 (MANE Select); the canonical splice donor site of the intron after coding-DNA position 2865, G replaced by A.
Molecular consequence: splice donor variant. On other transcripts: intron variant (6).
Genome position (GRCh38, 1-based): chr13:51,949,661, C>T on the plus strand (G>A on the coding strand, the complement: ATP7B is on the minus strand). VCF-style: chr13-51949661-C-T. GRCh37 (hg19) VCF-style: chr13-52523797-C-T.
Other names: c.2379+1G>A (NM_001406541.1, NM_001406546.1, NM_001406542.1); c.2613+1G>A (NM_001406531.1, NM_001406532.1, NM_001406540.1 and 1 more transcripts); c.2631+1G>A (NM_001406527.1, NM_001406528.1, NM_001406538.1 and 1 more transcripts); c.2721+1G>A (NM_001406537.1, NM_001406521.1, NM_001406522.1 and 1 more transcripts); c.2865+1G>A (NM_001406513.1, NM_001406511.1, NM_001406512.1 and 3 more transcripts); c.2517+1G>A (NM_001406543.1); c.2811+55G>A (NM_001406516.1, NM_001406515.1); c.2532+1G>A (NM_001243182.2); and 12 more.
Identifiers: ClinVar variation 157942 (VCV000157942.20), dbSNP rs587783306, ClinGen allele CA271173.
Genomic context (GRCh38, chr13:51,949,661, plus strand): 5'-GATCAATGTCAGTAGATTATTTAAAACACAACCACCATATAGCCCAAGGCATTCAACTTA[C>T]AGGAAAGTATCTCTGAACAACACCAAAATCGATAAAACCGATTACAATCCATACCACCAA-3'

ClinVar aggregate classification (germline): Pathogenic. Review status: criteria provided, multiple submitters, no conflicts (2 of 4 stars). 9 submissions from 9 submitters: Pathogenic (9). Last evaluated 2025-11-06.

Conditions:
ATP7B-related disorder. Also called: ATP7B-related condition.
Wilson disease (WND). Also called: Wilson's disease. Identifiers: Orphanet 905, MedGen C0019202, MONDO:0010200, OMIM 277900. Disease mechanism: loss of function.

Allele frequency attached by ClinVar (database versions not stated): gnomAD 0.00001; gnomAD exomes 0.00001 and 0.00002; TOPMed 0.00001; ExAC 0.00002.
gnomAD v4.1: 6 of 1,613,670 alleles (0.00037%); highest among the groups gnomAD compares: South Asian, 0.0022%; no homozygotes.

Submissions (9):

Labcorp Genetics (formerly Invitae), Labcorp
Classification: Pathogenic for Wilson disease. Last evaluated: 2025-11-06. Review status: criteria provided, single submitter. Criteria: Invitae Variant Classification Sherloc (09022015). Collection method: clinical testing. Allele origin: germline.
Comment: This sequence change affects a donor splice site in intron 12 of the ATP7B gene. It is expected to disrupt RNA splicing. Variants that disrupt the donor or acceptor splice site typically lead to a loss of protein function (PMID: 16199547), and loss-of-function variants in ATP7B are known to be pathogenic (PMID: 10441329, 16283883). This variant is present in population databases (rs587783306, gnomAD 0.003%). Disruption of this splice site has been observed in individual(s) with clinical features of Wilson disease (PMID: 15967699, 23551039, 30120852). In at least one individual the data is consistent with being in trans (on the opposite chromosome) from a pathogenic variant. This variant is also known as IVS12+1G>A. ClinVar contains an entry for this variant (Variation ID: 157942). Algorithms developed to predict the effect of sequence changes on RNA splicing suggest that this variant may disrupt the consensus splice site. For these reasons, this variant has been classified as Pathogenic.

All of Us Research Program, National Institutes of Health
Classification: Pathogenic for Wilson disease. Last evaluated: 2024-09-27. Review status: criteria provided, single submitter. Criteria: ACMG Guidelines, 2015. Collection method: clinical testing. Allele origin: germline. Inheritance: Autosomal recessive inheritance. Observed: 2 variant alleles, 2 heterozygotes.
Comment: This variant causes a G to A nucleotide substitution at the +1 position of intron 12 of the ATP7B gene. In the literature, this variant has also been reported as IVS12+1G>A. Splice site prediction tools predict that this variant may have a significant impact on RNA splicing. This variant is likely to cause in-frame skipping of exon 12. Multiple pathogenic missense variants have been reported in this exon (ClinVar), indicating the functional and clinical importance of the region may be affected by this variant. This variant has been observed in 11 individuals affected with autosomal recessive Wilson disease (15967699, 22677543, 23551039, PMID: Kuchar, E et al 2008, 30120852, 33640437, 34400371) of which two are compound heterozygous and five are homozygous for this variant, indicating that this variant contributes to disease. This variant has been identified in 4/249060 chromosomes in the general population by the Genome Aggregation Database (gnomAD). Loss of ATP7B function is a known mechanism of disease. Based on the available evidence, this variant is classified as Pathogenic.

This study involves interpretation of variants in research participants for the purpose of population health screening. Participant phenotype was not available at the time of variant classification. Additional details can be found in publication PMID: 35346344, PMCID: PMC8962531

Lildballe Lab, Aarhus University Hospital
Classification: Pathogenic for Wilson disease. Last evaluated: 2024-08-29. Review status: criteria provided, single submitter. Criteria: ACMG Guidelines, 2015. Collection method: clinical testing. Allele origin: germline. Affected: yes.
Comment: PVS1, PP5, PM2

GeneDx
Classification: Pathogenic. Last evaluated: 2023-08-16. Review status: criteria provided, single submitter. Criteria: GeneDx Variant Classification Process June 2021. Collection method: clinical testing. Allele origin: germline. Affected: yes.
Comment: Canonical splice site variant predicted to result in an in-frame loss of the adjacent exon in a gene for which loss of function is a known mechanism of disease; Not observed at significant frequency in large population cohorts (gnomAD); This variant is associated with the following publications: (PMID: 22677543, 12515040, 34400371, 15967699, 30120852, 33640437, 23551039)

Baylor Genetics
Classification: Pathogenic for Wilson disease. Last evaluated: 2023-07-17. Review status: criteria provided, single submitter. Criteria: ACMG Guidelines, 2015. Collection method: clinical testing. Allele origin: unknown.

Blueprint Genetics
Classification: Pathogenic for ATP7B-related disorders. Last evaluated: 2023-02-27. Review status: criteria provided, single submitter. Criteria: ACMG Guidelines, 2015. Collection method: clinical testing. Allele origin: germline. Affected: yes. Observed: 1 variant allele.

Myriad Genetics, Inc.
Classification: Pathogenic for Wilson disease. Last evaluated: 2021-11-16. Review status: criteria provided, single submitter. Criteria: Myriad Women's Health Autosomal Recessive and X-Linked Classification Criteria (2021). Collection method: clinical testing. Allele origin: unknown.
Comment: NM_000053.3(ATP7B):c.2865+1G>A is a canonical splice variant classified as pathogenic in the context of Wilson disease. c.2865+1G>A has been observed in cases with relevant disease (PMID: 23551039, 15967699, 30120852, 33640437, 22677543). Functional assessments of this variant are not available in the literature. c.2865+1G>A has been observed in population frequency databases (gnomAD: SAS <0.003%). In summary, NM_000053.3(ATP7B):c.2865+1G>A is a canonical splice variant that has been observed more frequently in cases with the relevant disease than in healthy populations. Please note: this variant was assessed in the context of healthy population screening.

Genome-Nilou Lab
Classification: Pathogenic for Wilson disease. Last evaluated: 2021-08-10. Review status: criteria provided, single submitter. Criteria: ACMG Guidelines, 2015. Collection method: clinical testing. Allele origin: germline. Affected: no.

Genetic Services Laboratory, University of Chicago
Classification: Pathogenic for Wilson disease. Last evaluated: 2013-02-08. Review status: criteria provided, single submitter. Criteria: ACMG Guidelines, 2007. Collection method: clinical testing. Allele origin: germline. Inheritance: Autosomal recessive inheritance. Affected: yes.

Literature cited by the submitters: PubMed 16199547 (cited by Labcorp Genetics (formerly Invitae), Labcorp); PubMed 10441329 (cited by Labcorp Genetics (formerly Invitae), Labcorp); PubMed 16283883 (cited by Labcorp Genetics (formerly Invitae), Labcorp); PubMed 15967699 (cited by Labcorp Genetics (formerly Invitae), Labcorp and Myriad Genetics, Inc.); PubMed 23551039 (cited by Labcorp Genetics (formerly Invitae), Labcorp and Myriad Genetics, Inc.); PubMed 30120852 (cited by Labcorp Genetics (formerly Invitae), Labcorp and Myriad Genetics, Inc.); PubMed 22677543 (cited by Myriad Genetics, Inc.); PubMed 33640437 (cited by Myriad Genetics, Inc.).